The following is an entry in ClinVar:

NM_015352.2(POFUT1):c.565_567dup (p.Val189_Leu190insVal)

Gene: POFUT1 (protein O-fucosyltransferase 1; plus strand). Cytogenetic location: 20q11.21.
Variant type: Duplication.
Coding change: c.565_567dup on transcript NM_015352.2 (MANE Select); coding-DNA positions 565 to 567, 3 bases duplicated (GTG; older notation c.565_567dupGTG).
Protein change: p.Val189_Leu190insVal.
Molecular consequence: inframe insertion.
Genome position (GRCh38, 1-based): chr20:32,228,285-32,228,287, GTG duplicated; duplicating any 3 consecutive bases within chr20:32,228,284-32,228,287 gives the same sequence; the c. name uses the placement nearest the transcript's 3' end. VCF-style (leftmost placement, unchanged base first): chr20-32228283-C-CGGT. GRCh37 (hg19) VCF-style: chr20-30816086-C-CGGT.
Identifiers: ClinVar variation 4720840 (VCV004720840.1).

ClinVar aggregate classification (germline): Uncertain significance (1 of 4 stars; one submission).

Conditions:
Dowling-Degos disease 2 (DDD2). Identifiers: Orphanet 79145, MedGen C3809147, MONDO:0014130, OMIM 615327.

Submission:

Labcorp Genetics (formerly Invitae), Labcorp
Classification: Uncertain significance for Dowling-Degos disease 2. Last evaluated: 2025-06-16. Review status: criteria provided, single submitter. Criteria: Invitae Variant Classification Sherloc (09022015). Collection method: clinical testing. Allele origin: germline.
Comment: This variant, c.565_567dup, results in the insertion of 1 amino acid(s) of the POFUT1 protein (p.Val189dup), but otherwise preserves the integrity of the reading frame. This variant is not present in population databases (gnomAD no frequency). This variant has not been reported in the literature in individuals affected with POFUT1-related conditions. In summary, the available evidence is currently insufficient to determine the role of this variant in disease. Therefore, it has been classified as a Variant of Uncertain Significance.